The following is an entry in ClinVar:

ClinVar aggregate classification (germline): Uncertain significance (1 of 4 stars; one submission).

Submission:

Labcorp Genetics (formerly Invitae), Labcorp
Classification: Uncertain significance. Last evaluated: 2025-06-03. Review status: criteria provided, single submitter. Criteria: Invitae Variant Classification Sherloc (09022015). Collection method: clinical testing. Allele origin: germline.
Comment: This sequence change replaces serine, which is neutral and polar, with phenylalanine, which is neutral and non-polar, at codon 113 of the PLS3 protein (p.Ser113Phe). This variant is not present in population databases (gnomAD no frequency). This variant has not been reported in the literature in individuals affected with PLS3-related conditions. Invitae Evidence Modeling of protein sequence and biophysical properties (such as structural, functional, and spatial information, amino acid conservation, physicochemical variation, residue mobility, and thermodynamic stability) indicates that this missense variant is expected to disrupt PLS3 protein function with a positive predictive value of 80%. In summary, the available evidence is currently insufficient to determine the role of this variant in disease. Therefore, it has been classified as a Variant of Uncertain Significance.

NM_005032.7(PLS3):c.338C>T (p.Ser113Phe)

Gene: PLS3 (plastin 3; plus strand). Cytogenetic location: Xq23.
Variant type: single nucleotide variant.
Coding change: c.338C>T on transcript NM_005032.7 (MANE Select); coding-DNA position 338, C replaced by T.
Protein change: p.Ser113Phe; replaces serine 113 with phenylalanine.
Molecular consequence: missense variant.
Genome position (GRCh38, 1-based): chrX:115,629,298, C>T. VCF-style: chrX-115629298-C-T. GRCh37 (hg19) VCF-style: chrX-114863610-C-T.
Other names: c.338C>T, p.Ser113Phe (NM_001136025.5, NM_001440791.1, NM_001440792.1); c.257C>T, p.Ser86Phe (NM_001172335.3); c.272C>T, p.Ser91Phe (NM_001282337.2); c.203C>T, p.Ser68Phe (NM_001282338.2); short protein forms S113F, S68F, S86F, S91F.
Identifiers: ClinVar variation 4744887 (VCV004744887.1).